The following is an entry in ClinVar:

NM_006445.4(PRPF8):c.4464A>T (p.Thr1488=)

Gene: PRPF8 (pre-mRNA processing factor 8; minus strand). Cytogenetic location: 17p13.3.
Variant type: single nucleotide variant.
Coding change: c.4464A>T on transcript NM_006445.4 (MANE Select); coding-DNA position 4464, A replaced by T.
Protein change: p.Thr1488=; no amino-acid change (threonine 1488 retained).
Molecular consequence: synonymous variant.
Genome position (GRCh38, 1-based): chr17:1,661,037, T>A on the plus strand (A>T on the coding strand, the complement: PRPF8 is on the minus strand). VCF-style: chr17-1661037-T-A. GRCh37 (hg19) VCF-style: chr17-1564331-T-A.
Identifiers: ClinVar variation 714111 (VCV000714111.14), dbSNP rs11559308, ClinGen allele CA8271661.

ClinVar aggregate classification (germline): Likely benign. Review status: criteria provided, multiple submitters, no conflicts (2 of 4 stars). 3 submissions from 3 submitters: Likely benign (3). Last evaluated 2025-11-17.

Conditions:
Retinitis pigmentosa (RP). Identifiers: Orphanet 791, MedGen C0035334, MeSH D012174, MONDO:0019200, OMIM 268000. Inheritance: Autosomal dominant, autosomal recessive and X linked inheritance.

Allele frequency attached by ClinVar (database versions not stated): gnomAD 0.00032 and 0.00033; TOPMed 0.00032; gnomAD exomes 0.00038; ExAC 0.00039; ESP Exome Variant Server 0.00054.
gnomAD v4.1: 731 of 1,613,718 alleles (0.045%); highest among the groups gnomAD compares: Non-Finnish European, 0.058%; no homozygotes.

Submissions (3):

Labcorp Genetics (formerly Invitae), Labcorp
Classification: Likely benign. Last evaluated: 2025-11-17. Review status: criteria provided, single submitter. Criteria: Invitae Variant Classification Sherloc (09022015). Collection method: clinical testing. Allele origin: germline.

Blueprint Genetics
Classification: Likely benign. Last evaluated: 2024-11-14. Review status: criteria provided, single submitter. Criteria: ACMG Guidelines, 2015. Collection method: clinical testing. Allele origin: germline.

Illumina Laboratory Services, Illumina
Classification: Likely benign for Retinitis pigmentosa. Last evaluated: 2018-01-12. Review status: criteria provided, single submitter. Criteria: ICSL Variant Classification Criteria 13 December 2019. Collection method: clinical testing. Allele origin: germline.
Comment: This variant was observed in the ICSL laboratory as part of a predisposition screen in an ostensibly healthy population. It had not been previously curated by ICSL or reported in the Human Gene Mutation Database (HGMD: prior to June 1st, 2018), and was therefore a candidate for classification through an automated scoring system. Utilizing variant allele frequency, disease prevalence and penetrance estimates, and inheritance mode, an automated score was calculated to assess if this variant is too frequent to cause the disease. Based on the score and internal cut-off values, a variant classified as likely benign is not then subjected to further curation. The score for this variant resulted in a classification of likely benign for this disease.